The following is an entry in ClinVar:

ClinVar aggregate classification (germline): Uncertain significance. Review status: criteria provided, multiple submitters, no conflicts (2 of 4 stars). 2 submissions from 2 submitters: Uncertain significance (2). Last evaluated 2025-12-05.

Conditions:
ANKRD1-related dilated cardiomyopathy. Identifiers: MedGen CN119551.
Cardiovascular phenotype. Identifiers: MedGen CN230736.

Submissions (2):

Ambry Genetics
Classification: Uncertain significance for Cardiovascular phenotype. Last evaluated: 2025-12-05. Review status: criteria provided, single submitter. Criteria: Ambry Variant Classification Scheme 2023. Collection method: clinical testing. Allele origin: germline.
Comment: The c.764delC variant, located in coding exon 8 of the ANKRD1 gene, results from a deletion of one nucleotide at nucleotide position 764, causing a translational frameshift with a predicted alternate stop codon (p.P255Rfs*6). The evidence for this gene-disease relationship is limited; therefore, the clinical significance of this alteration is unclear.

Labcorp Genetics (formerly Invitae), Labcorp
Classification: Uncertain significance for ANKRD1-related dilated cardiomyopathy. Last evaluated: 2025-10-21. Review status: criteria provided, single submitter. Criteria: Invitae Variant Classification Sherloc (09022015). Collection method: clinical testing. Allele origin: germline.
Comment: This sequence change creates a premature translational stop signal (p.Pro255Argfs*6) in the ANKRD1 gene. It is expected to result in an absent or disrupted protein product. However, the current clinical and genetic evidence is not sufficient to establish whether loss-of-function variants in ANKRD1 cause disease. This variant is present in population databases (rs753476942, gnomAD 0.005%). This premature translational stop signal has been observed in individual(s) with clinical features of hypertrophic cardiomyopathy (internal data). ClinVar contains an entry for this variant (Variation ID: 664045). In summary, the available evidence is currently insufficient to determine the role of this variant in disease. Therefore, it has been classified as a Variant of Uncertain Significance.

NM_014391.3(ANKRD1):c.764del (p.Pro255fs)

Gene: ANKRD1 (ankyrin repeat domain 1; minus strand). Cytogenetic location: 10q23.31.
Variant type: Deletion.
Coding change: c.764del on transcript NM_014391.3 (MANE Select); coding-DNA position 764, one base deleted (C; older notation c.764delC).
Protein change: p.Pro255fs; shifts the reading frame from proline 255.
Molecular consequence: frameshift variant.
Genome position (GRCh38, 1-based): chr10:90,915,628, G deleted on the plus strand (C on the coding strand, the reverse complement: ANKRD1 is on the minus strand); the first of 4 consecutive G bases (chr10:90,915,628-90,915,631); deleting any one gives the same sequence. VCF-style (leftmost placement, unchanged base first): chr10-90915627-CG-C. GRCh37 (hg19) VCF-style: chr10-92675384-CG-C.
Other names: c.764delC (NM_014391.2); short protein forms P255fs.
Identifiers: ClinVar variation 664045 (VCV000664045.11), dbSNP rs753476942, ClinGen allele CA5598610.